The following is an entry in ClinVar:

NM_031885.5(BBS2):c.401C>G (p.Pro134Arg)

Gene: BBS2 (Bardet-Biedl syndrome 2; minus strand). Cytogenetic location: 16q13.
Variant type: single nucleotide variant.
Coding change: c.401C>G on transcript NM_031885.5 (MANE Select); coding-DNA position 401, C replaced by G.
Protein change: p.Pro134Arg; replaces proline 134 with arginine.
Molecular consequence: missense variant. On other transcripts: non-coding transcript variant (5).
Genome position (GRCh38, 1-based): chr16:56,511,229, G>C on the plus strand (C>G on the coding strand, the complement: BBS2 is on the minus strand). VCF-style: chr16-56511229-G-C. GRCh37 (hg19) VCF-style: chr16-56545141-G-C.
Other names: c.401C>G, p.Pro134Arg (NM_001377456.1); short protein forms P134R.
Identifiers: ClinVar variation 209043 (VCV000209043.29), dbSNP rs376306240, ClinGen allele CA204970.

ClinVar aggregate classification (germline): Pathogenic/Likely pathogenic. Review status: criteria provided, multiple submitters, no conflicts (2 of 4 stars). 11 submissions from 11 submitters: Pathogenic (6); Likely pathogenic (3). 2 of the submissions do not count toward it. Last evaluated 2026-08-06.

Conditions:
BBS2-related disorder. Also called: BBS2-related condition; BBS2-related disorders. Identifiers: MedGen CN239228.
BBS2-related ciliopathy. Identifiers: MedGen CN378634, MONDO:1040048.
Retinitis pigmentosa 74 (RP74). Identifiers: Orphanet 791, MedGen C4225281, MONDO:0014692, OMIM 616562.
Bardet-Biedl syndrome (BBS). Identifiers: Orphanet 110, MedGen C0752166, MONDO:0015229.
Retinitis pigmentosa (RP). Identifiers: Orphanet 791, MedGen C0035334, MeSH D012174, MONDO:0019200, OMIM 268000. Inheritance: Autosomal dominant, autosomal recessive and X linked inheritance.
Bardet-Biedl syndrome 2 (BBS2). Identifiers: Orphanet 110, MedGen C2936863, MONDO:0014432, OMIM 615981.
Early onset severe obesity. Identifiers: MedGen C4013980.

Allele frequency attached by ClinVar (database versions not stated): TOPMed 0.00001; ExAC 0.00003; gnomAD 0.00003; gnomAD exomes 0.00003; ESP Exome Variant Server 0.00008.
gnomAD v4.1: 34 of 1,613,882 alleles (0.0021%); highest among the groups gnomAD compares: Middle Eastern, 0.016%; no homozygotes.

Submissions (11):

OLLIN Analises Genomicas, OLLIN
Classification: Pathogenic for Retinitis pigmentosa 74. Last evaluated: 2026-08-06. Review status: criteria provided, single submitter. Criteria: ACMG Guidelines 2015 PMID 25741868. Collection method: clinical testing. Allele origin: germline.
Comment: This missense variant, located in exon 3 (of 17), has been reported in ClinVar (accession VCV000209043.27) and in gnomAD with an allele frequency of 0.0021%. However, to our knowledge, it has not been reported in the scientific literature. In silico analysis predicts that this variant has a deleterious effect. According to the currently available evidence, this variant has been classified as pathogenic (PM2_P, PM3, PP1, PP3_S).

Women's Health and Genetics/Laboratory Corporation of America, LabCorp
Classification: Pathogenic for Bardet-Biedl syndrome. Last evaluated: 2026-05-22. Review status: criteria provided, single submitter. Criteria: LabCorp Variant Classification Summary - May 2015. Collection method: clinical testing. Allele origin: germline.
Comment: Variant summary: BBS2 c.401C>G (p.Pro134Arg) results in a non-conservative amino acid change in the encoded protein sequence. Algorithms developed to predict the effect of missense changes on protein structure and function all suggest that this variant is likely to be disruptive. The variant allele was found at a frequency of 3.2e-05 in 251422 control chromosomes. c.401C>G has been observed in multiple individuals affected with retinitis pigmentosa/inherited retinal disease (e.g. Shevach_2015, Karali_2019, Panneman_2023, Lin_2024). These data indicate that the variant is very likely to be associated with disease. To our knowledge, no experimental evidence demonstrating an impact on protein function has been reported. The following publications have been ascertained in the context of this evaluation (PMID: 31877679, 38219857, 36819107, 25541840). ClinVar contains an entry for this variant (Variation ID: 209043). Based on the evidence outlined above, the variant was classified as pathogenic.

Myriad Genetics, Inc.
Classification: Likely pathogenic for BBS2-related ciliopathy. Last evaluated: 2025-11-05. Review status: criteria provided, single submitter. Criteria: Myriad Autosomal Dominant, Autosomal Recessive and X-Linked Classification Criteria (2023). Collection method: clinical testing. Allele origin: unknown.
Comment: NM_031885.3(BBS2):c.401C>G(P134R) is a missense variant classified as likely pathogenic in the context of Bardet-Biedl syndrome, BBS2-related. Please note that P134R has primarily been associated with isolated retinitis pigmentosa. P134R has been observed in cases with relevant disease (PMID: 29641573, 31877679, 25541840, 36819107, DeBenedictis_2020_(Article), Marques_2020_(Article)). Relevant functional assessments of this variant are available in the literature (DeBenedictis_2020_(Article)). P134R has been observed in referenced population frequency databases. In summary, NM_031885.3(BBS2):c.401C>G(P134R) is a missense variant that has been observed more frequently in cases with a relevant disease than in healthy populations. Please note: this variant was assessed in the context of healthy population screening.

Natera, Inc.
Classification: Likely pathogenic for Bardet-Biedl syndrome type 2. Last evaluated: 2025-09-05. Review status: criteria provided, single submitter. Criteria: Natera Variant Classification Schema (03/2026). Collection method: clinical testing. Allele origin: germline.
Comment: The c.401C>G variant in BBS2 is a missense variant predicted to cause substitution of proline to arginine at amino acid 134. This variant is rare in the general population with a frequency below the threshold expected for the associated phenotype(s). This variant has been observed in one or more individuals affected with the associated recessive disease, as either homozygous or compound heterozygous with a second variant (PMID: 25541840, 29641573, 31877679, 38219857). Computational prediction algorithms indicate this variant is likely to affect gene or protein function. Given the available evidence, this variant is classified as Likely Pathogenic.

Labcorp Genetics (formerly Invitae), Labcorp
Classification: Pathogenic for Bardet-Biedl syndrome. Last evaluated: 2025-01-15. Review status: criteria provided, single submitter. Criteria: Invitae Variant Classification Sherloc (09022015). Collection method: clinical testing. Allele origin: germline.
Comment: This sequence change replaces proline, which is neutral and non-polar, with arginine, which is basic and polar, at codon 134 of the BBS2 protein (p.Pro134Arg). This variant is present in population databases (rs376306240, gnomAD 0.01%). This missense change has been observed in individual(s) with retinitis pigmentosa (PMID: 25541840, 31877679). In at least one individual the data is consistent with being in trans (on the opposite chromosome) from a pathogenic variant. It has also been observed to segregate with disease in related individuals. ClinVar contains an entry for this variant (Variation ID: 209043). Invitae Evidence Modeling of protein sequence and biophysical properties (such as structural, functional, and spatial information, amino acid conservation, physicochemical variation, residue mobility, and thermodynamic stability) indicates that this missense variant is not expected to disrupt BBS2 protein function with a negative predictive value of 80%. For these reasons, this variant has been classified as Pathogenic.

Blueprint Genetics
Classification: Pathogenic for BBS2-related disorders. Last evaluated: 2024-09-08. Review status: criteria provided, single submitter. Criteria: ACMG Guidelines, 2015. Collection method: clinical testing. Allele origin: germline. Affected: yes. Observed: 5 variant alleles.

Baylor Genetics
Classification: Pathogenic for Bardet-Biedl syndrome 2. Last evaluated: 2024-03-27. Review status: criteria provided, single submitter. Criteria: ACMG Guidelines, 2015. Collection method: clinical testing. Allele origin: unknown.

Cambridge Genomics Laboratory, East Genomic Laboratory Hub, NHS Genomic Medicine Service
Classification: Likely pathogenic for Severe early-onset obesity. Last evaluated: 2023-12-19. Review status: criteria provided, single submitter. Criteria: ACGS Best Practice Guidelines for Variant Classification in Rare Disease 2020. Collection method: clinical testing. Allele origin: germline. Affected: yes.
Comment: The p.Pro134Arg variant is observed in 1/10.078 (0.0099%) alleles from individuals of gnomAD Ashkenazi Jewish background in gnomAD All. The p.Pro134Arg variant is novel (not in any individuals) in 1kG All. The p.Pro134Arg variant is observed in 1/15.270 (0.0065%) alleles from individuals of gnomAD Genomes v3 Latino background in gnomAD Genomes v3 All. (PM2 - Moderate) | The p.Pro134Arg missense variant is predicted to be damaging by both SIFT and PolyPhen2. The proline residue at codon 134 of BBS2 is conserved in all mammalian species. The nucleotide c.401 in BBS2 is predicted conserved by GERP++ and PhyloP across 100 vertebrates. (PP3 - Supporting) | The variant is observed in trans (in a compound heterozygous state) with another pathogenic variant. (PM3 - Moderate) | The variant cosegregates with the disease in multiple affected family members. (PP1_Moderate - Moderate)

Mendelics
Classification: Pathogenic for Bardet-Biedl syndrome 2. Last evaluated: 2019-05-28. Review status: criteria provided, single submitter. Criteria: Mendelics Assertion Criteria 2017. Collection method: clinical testing. Allele origin: unknown.

Sharon lab, Hadassah-Hebrew University Medical Center
Classification: Likely pathogenic for Retinitis pigmentosa. Last evaluated: 2019-06-23. Review status: no assertion criteria provided. Collection method: research. Allele origin: inherited. Affected: yes. Not counted in ClinVar's aggregate classification.

OMIM
Classification: Pathogenic for RETINITIS PIGMENTOSA 74. Last evaluated: 2015-03-01. Review status: no assertion criteria provided. Collection method: literature only. Allele origin: germline. Not counted in ClinVar's aggregate classification.

Literature cited by the submitters: PubMed 25541840 (cited by 4 submitters); PubMed 31877679 (cited by 3 submitters); PubMed 36819107 (cited by Women's Health and Genetics/Laboratory Corporation of America, LabCorp); PubMed 38219857 (cited by Women's Health and Genetics/Laboratory Corporation of America, LabCorp and Natera, Inc.); PubMed 29641573 (cited by Natera, Inc.).